The following is an entry in ClinVar:

NM_007294.3:c.134+2513_4357+2438dup

Gene: BRCA1 (BRCA1 DNA repair associated; minus strand).
Variant type: Duplication.
Identifiers: ClinVar variation 1770346 (VCV001770346.2).

ClinVar aggregate classification (germline): Pathogenic (1 of 4 stars; one submission).

Conditions:
Hereditary cancer-predisposing syndrome. Also called: Hereditary Cancer Syndrome; Hereditary neoplastic syndrome; Neoplastic Syndromes, Hereditary; Tumor predisposition. Identifiers: Orphanet 140162, MedGen C0027672, MeSH D009386, MONDO:0015356.

Submission:

Ambry Genetics
Classification: Pathogenic for Hereditary cancer-predisposing syndrome. Last evaluated: 2017-07-11. Review status: criteria provided, single submitter. Criteria: Ambry Variant Classification Scheme 2023. Collection method: clinical testing. Allele origin: germline.
Comment: The EX3_11dup gross duplication spans coding exons 3 through 11 in the BRCA1 gene. Additional analysis to determine breakpoints identified that this duplication is in tandem and is predicted to result in a translational frameshift with a predicted alternate stop codon (Ambry internal data). As such, this alteration is interpreted as a disease-causing mutation.